The following is an entry in ClinVar:

ClinVar aggregate classification (germline): Uncertain significance (1 of 4 stars; one submission).

Conditions:
Werner syndrome (WRN). Identifiers: Orphanet 902, MedGen C0043119, MONDO:0010196, OMIM 277700.

Submission:

Labcorp Genetics (formerly Invitae), Labcorp
Classification: Uncertain significance for Werner syndrome. Last evaluated: 2021-08-14. Review status: criteria provided, single submitter. Criteria: Invitae Variant Classification Sherloc (09022015). Collection method: clinical testing. Allele origin: germline.
Comment: In summary, the available evidence is currently insufficient to determine the role of this variant in disease. Therefore, it has been classified as a Variant of Uncertain Significance. Algorithms developed to predict the effect of missense changes on protein structure and function output the following: SIFT: "Tolerated"; PolyPhen-2: "Benign"; Align-GVGD: "Class C0". The methionine amino acid residue is found in multiple mammalian species, suggesting that this missense change does not adversely affect protein function. These predictions have not been confirmed by published functional studies and their clinical significance is uncertain. This variant has not been reported in the literature in individuals with WRN-related disease. This variant is not present in population databases (ExAC no frequency). This sequence change replaces valine with methionine at codon 1409 of the WRN protein (p.Val1409Met). The valine residue is weakly conserved and there is a small physicochemical difference between valine and methionine.

NM_000553.6(WRN):c.4225G>A (p.Val1409Met)

Genes: WRN (WRN RecQ like helicase; plus strand), LOC126860342 (MED14-independent group 3 enhancer GRCh37_chr8:31029565-31030764; plus strand). Cytogenetic location: 8p12.
Variant type: single nucleotide variant.
Coding change: c.4225G>A on transcript NM_000553.6 (MANE Select); coding-DNA position 4225, G replaced by A.
Protein change: p.Val1409Met; replaces valine 1409 with methionine.
Molecular consequence: missense variant.
Genome position (GRCh38, 1-based): chr8:31,173,028, G>A. VCF-style: chr8-31173028-G-A. GRCh37 (hg19) VCF-style: chr8-31030544-G-A.
Other names: short protein forms V1409M.
Identifiers: ClinVar variation 569481 (VCV000569481.6), dbSNP rs1563396721, ClinGen allele CA370911640.